The following is an entry in ClinVar:

ClinVar aggregate classification (germline): Likely benign (1 of 4 stars; one submission).

gnomAD v4.1: 947 of 1,054,068 alleles (0.09%); highest among the groups gnomAD compares: East Asian, 0.69%; 271 homozygotes.

Submission:

CeGaT Center for Human Genetics Tuebingen
Classification: Likely benign. Last evaluated: 2024-09-01. Review status: criteria provided, single submitter. Criteria: CeGaT Center For Human Genetics Tuebingen Variant Classification Criteria Version 2. Collection method: clinical testing. Allele origin: germline. Affected: yes. Observed: 1 variant allele.
Comment: AHNAK2: BP4, BP7, BS2

NM_138420.4(AHNAK2):c.4191A>G (p.Pro1397=)

Gene: AHNAK2 (AHNAK nucleoprotein 2; minus strand). Cytogenetic location: 14q32.33.
Variant type: single nucleotide variant.
Coding change: c.4191A>G on transcript NM_138420.4 (MANE Select); coding-DNA position 4191, A replaced by G.
Protein change: p.Pro1397=; no amino-acid change (proline 1397 retained).
Molecular consequence: synonymous variant.
Genome position (GRCh38, 1-based): chr14:104,951,260, T>C on the plus strand (A>G on the coding strand, the complement: AHNAK2 is on the minus strand). VCF-style: chr14-104951260-T-C. GRCh37 (hg19) VCF-style: chr14-105417597-T-C.
Other names: c.3891A>G, p.Pro1297= (NM_001350929.2).
Identifiers: ClinVar variation 3388129 (VCV003388129.14).